The following is an entry in ClinVar:

NM_000111.3(SLC26A3):c.1168G>A (p.Gly390Arg)

Gene: SLC26A3 (solute carrier family 26 member 3; minus strand). Cytogenetic location: 7q22.3.
Variant type: single nucleotide variant.
Coding change: c.1168G>A on transcript NM_000111.3 (MANE Select); coding-DNA position 1168, G replaced by A.
Protein change: p.Gly390Arg; replaces glycine 390 with arginine.
Molecular consequence: missense variant.
Genome position (GRCh38, 1-based): chr7:107,783,045, C>T on the plus strand (G>A on the coding strand, the complement: SLC26A3 is on the minus strand). VCF-style: chr7-107783045-C-T. GRCh37 (hg19) VCF-style: chr7-107423490-C-T.
Other names: short protein forms G390R.
Identifiers: ClinVar variation 2057674 (VCV002057674.4), dbSNP rs2535463082, ClinGen allele CA368851848.

ClinVar aggregate classification (germline): Uncertain significance (1 of 4 stars; one submission).

Submission:

Labcorp Genetics (formerly Invitae), Labcorp
Classification: Uncertain significance. Last evaluated: 2022-12-06. Review status: criteria provided, single submitter. Criteria: Invitae Variant Classification Sherloc (09022015). Collection method: clinical testing. Allele origin: germline.
Comment: In summary, the available evidence is currently insufficient to determine the role of this variant in disease. Therefore, it has been classified as a Variant of Uncertain Significance. This sequence change replaces glycine, which is neutral and non-polar, with arginine, which is basic and polar, at codon 390 of the SLC26A3 protein (p.Gly390Arg). This variant is not present in population databases (gnomAD no frequency). This variant has not been reported in the literature in individuals affected with SLC26A3-related conditions. Advanced modeling of protein sequence and biophysical properties (such as structural, functional, and spatial information, amino acid conservation, physicochemical variation, residue mobility, and thermodynamic stability) performed at Invitae indicates that this missense variant is expected to disrupt SLC26A3 protein function.